The following is an entry in ClinVar:

ClinVar aggregate classification (germline): Likely pathogenic (1 of 4 stars; one submission).

Conditions:
Multiple congenital anomalies-hypotonia-seizures syndrome 1 (MCAHS1). Also called: PIGN-CDG; Congenital disorder of glycosylation due to PIGN deficiency; GLYCOSYLPHOSPHATIDYLINOSITOL BIOSYNTHESIS DEFECT 3. Identifiers: Orphanet 280633, MedGen C3279775, MONDO:0013563, OMIM 614080.

Submission:

Labcorp Genetics (formerly Invitae), Labcorp
Classification: Likely pathogenic for Multiple congenital anomalies-hypotonia-seizures syndrome 1. Last evaluated: 2022-07-16. Review status: criteria provided, single submitter. Criteria: Invitae Variant Classification Sherloc (09022015). Collection method: clinical testing. Allele origin: germline.
Comment: In summary, the currently available evidence indicates that the variant is pathogenic, but additional data are needed to prove that conclusively. Therefore, this variant has been classified as Likely Pathogenic. Algorithms developed to predict the effect of sequence changes on RNA splicing suggest that this variant may disrupt the consensus splice site. This variant has not been reported in the literature in individuals affected with PIGN-related conditions. This variant is not present in population databases (gnomAD no frequency). This sequence change affects a donor splice site in intron 5 of the PIGN gene. It is expected to disrupt RNA splicing. Variants that disrupt the donor or acceptor splice site typically lead to a loss of protein function (PMID: 16199547), and loss-of-function variants in PIGN are known to be pathogenic (PMID: 24253414, 27038415).

Literature cited by the submitters: PubMed 16199547; PubMed 24253414; PubMed 27038415.

NM_176787.5(PIGN):c.343+2T>C

Gene: PIGN (phosphatidylinositol glycan anchor biosynthesis class N; minus strand). Cytogenetic location: 18q21.33.
Variant type: single nucleotide variant.
Coding change: c.343+2T>C on transcript NM_176787.5 (MANE Select); the canonical splice donor site of the intron after coding-DNA position 343, T replaced by C.
Molecular consequence: splice donor variant.
Genome position (GRCh38, 1-based): chr18:62,157,685, A>G on the plus strand (T>C on the coding strand, the complement: PIGN is on the minus strand). VCF-style: chr18-62157685-A-G. GRCh37 (hg19) VCF-style: chr18-59824918-A-G.
Other names: c.343+2T>C (NM_012327.6).
Identifiers: ClinVar variation 2161804 (VCV002161804.4), dbSNP rs2514279373, ClinGen allele CA402603517.